The following is an entry in ClinVar:

ClinVar aggregate classification (germline): Benign (1 of 4 stars; one submission).

Allele frequency attached by ClinVar (database versions not stated): 1000 Genomes Project 0.02336; gnomAD 0.02343; 1000 Genomes Project 30x 0.02452; TOPMed 0.02628.

Submission:

GeneDx
Classification: Benign. Last evaluated: 2018-06-14. Review status: criteria provided, single submitter. Criteria: GeneDx Variant Classification (06012015). Collection method: clinical testing. Allele origin: germline. Affected: yes.
Comment: This variant is considered likely benign or benign based on one or more of the following criteria: it is a conservative change, it occurs at a poorly conserved position in the protein, it is predicted to be benign by multiple in silico algorithms, and/or has population frequency not consistent with disease.

NM_024334.3(TMEM43):c.1000+261G>A

Gene: TMEM43 (transmembrane protein 43; plus strand). Cytogenetic location: 3p25.1.
Variant type: single nucleotide variant.
Coding change: c.1000+261G>A on transcript NM_024334.3 (MANE Select); 261 bases into the intron after coding-DNA position 1000, G replaced by A.
Molecular consequence: intron variant.
Genome position (GRCh38, 1-based): chr3:14,139,558, G>A. VCF-style: chr3-14139558-G-A. GRCh37 (hg19) VCF-style: chr3-14181058-G-A.
Identifiers: ClinVar variation 669602 (VCV000669602.1), dbSNP rs80345392, ClinGen allele CA69734160.